The following is an entry in ClinVar:

NM_006914.4(RORB):c.1150C>T (p.Leu384Phe)

Gene: RORB (RAR related orphan receptor B; plus strand). Cytogenetic location: 9q21.13.
Variant type: single nucleotide variant.
Coding change: c.1150C>T on transcript NM_006914.4 (MANE Select); coding-DNA position 1150, C replaced by T.
Protein change: p.Leu384Phe; replaces leucine 384 with phenylalanine.
Molecular consequence: missense variant.
Genome position (GRCh38, 1-based): chr9:74,671,827, C>T. VCF-style: chr9-74671827-C-T. GRCh37 (hg19) VCF-style: chr9-77286743-C-T.
Other names: c.1183C>T, p.Leu395Phe (NM_001365023.1); short protein forms L395F, L384F.
Identifiers: ClinVar variation 1951961 (VCV001951961.9), dbSNP rs201169134, ClinGen allele CA5083555.

ClinVar aggregate classification (germline): Uncertain significance. Review status: criteria provided, multiple submitters, no conflicts (2 of 4 stars). 2 submissions from 2 submitters: Uncertain significance (2). Last evaluated 2026-01-01.

Allele frequency attached by ClinVar (database versions not stated): gnomAD 0.00001; gnomAD exomes 0.00002; TOPMed 0.00002; ExAC 0.00007; ESP Exome Variant Server 0.00008.
gnomAD v4.1: 28 of 1,612,918 alleles (0.0017%); highest among the groups gnomAD compares: Non-Finnish European, 0.002%; no homozygotes.

Submissions (2):

CeGaT Center for Human Genetics Tuebingen
Classification: Uncertain significance. Last evaluated: 2026-01-01. Review status: criteria provided, single submitter. Criteria: CeGaT Center For Human Genetics Tuebingen Variant Classification Criteria Version 2. Collection method: clinical testing. Allele origin: germline. Affected: yes. Observed: 1 variant allele.
Comment: RORB: PP2, PP3

Labcorp Genetics (formerly Invitae), Labcorp
Classification: Uncertain significance. Last evaluated: 2022-08-20. Review status: criteria provided, single submitter. Criteria: Invitae Variant Classification Sherloc (09022015). Collection method: clinical testing. Allele origin: germline.
Comment: Algorithms developed to predict the effect of missense changes on protein structure and function are either unavailable or do not agree on the potential impact of this missense change (SIFT: "Deleterious"; PolyPhen-2: "Probably Damaging"; Align-GVGD: "Class C0"). In summary, the available evidence is currently insufficient to determine the role of this variant in disease. Therefore, it has been classified as a Variant of Uncertain Significance. This variant has not been reported in the literature in individuals affected with RORB-related conditions. This variant is present in population databases (rs201169134, gnomAD 0.009%). This sequence change replaces leucine, which is neutral and non-polar, with phenylalanine, which is neutral and non-polar, at codon 384 of the RORB protein (p.Leu384Phe).